The following is an entry in ClinVar:

NM_007294.4(BRCA1):c.2794del (p.Val932fs)

Gene: BRCA1 (BRCA1 DNA repair associated; minus strand). Cytogenetic location: 17q21.31.
Variant type: Deletion.
Coding change: c.2794del on transcript NM_007294.4 (MANE Select); coding-DNA position 2794, one base deleted (G; older notation c.2794delG).
Protein change: p.Val932fs; shifts the reading frame from valine 932.
Molecular consequence: frameshift variant. On other transcripts: intron variant (137).
Genome position (GRCh38, 1-based): chr17:43,092,737, C deleted on the plus strand (G on the coding strand, the reverse complement: BRCA1 is on the minus strand); the first of 2 consecutive C bases (chr17:43,092,737-43,092,738); deleting either gives the same sequence. VCF-style (leftmost placement, unchanged base first): chr17-43092736-AC-A. GRCh37 (hg19) VCF-style: chr17-41244753-AC-A.
Other names: c.2668del, p.Val890fs (NM_001407688.1, NM_001407689.1, NM_001407690.1 and 11 more transcripts); c.2653del, p.Val885fs (NM_001407692.1, NM_001407697.1, NM_001407698.1 and 29 more transcripts); c.644-1705del (NM_001408470.1, NM_001408464.1, NM_001408468.1 and 3 more transcripts); c.2581del, p.Val861fs (NM_001407571.1, NM_001407853.1, NM_001407894.1 and 9 more transcripts); c.2794del, p.Val932fs (NM_001407581.1, NM_001407582.1, NM_001407583.1 and 30 more transcripts); c.2791del, p.Val931fs (NM_001407587.1, NM_001407590.1, NM_001407591.1 and 22 more transcripts); c.2785del, p.Val929fs (NM_001407646.1, NM_001407647.1); c.2671del, p.Val891fs (NM_001407648.1, NM_001407664.1, NM_001407665.1 and 19 more transcripts); and 41 more; short protein forms V821fs, V884fs, V932fs, V636fs, V764fs, V820fs, V843fs, V885fs.
Identifiers: ClinVar variation 2836879 (VCV002836879.3), dbSNP rs2552183662, ClinGen allele CA2695225966.

ClinVar aggregate classification (germline): Pathogenic (1 of 4 stars; one submission).

Conditions:
Hereditary breast ovarian cancer syndrome. Also called: Hereditary breast and ovarian cancer syndrome (HBOC); Breast and ovarian cancer; BRCA1- and BRCA2-Associated Hereditary Breast and Ovarian Cancer; Hereditary breast and ovarian cancer syndrome; Hereditary breast and ovarian cancer; Hereditary breast and/or ovarian cancer syndrome. Identifiers: Orphanet 145, MedGen C0677776, MeSH D061325, MONDO:0003582. Disease mechanism: loss of function.

Submission:

Labcorp Genetics (formerly Invitae), Labcorp
Classification: Pathogenic for Hereditary breast ovarian cancer syndrome. Last evaluated: 2023-02-14. Review status: criteria provided, single submitter. Criteria: Invitae Variant Classification Sherloc (09022015). Collection method: clinical testing. Allele origin: germline.
Comment: For these reasons, this variant has been classified as Pathogenic. This sequence change creates a premature translational stop signal (p.Val932Leufs*68) in the BRCA1 gene. It is expected to result in an absent or disrupted protein product. Loss-of-function variants in BRCA1 are known to be pathogenic (PMID: 20104584). This variant is not present in population databases (gnomAD no frequency). This variant has not been reported in the literature in individuals affected with BRCA1-related conditions.

Literature cited by the submitters: PubMed 20104584.